The following is an entry in ClinVar:

ClinVar aggregate classification (germline): Benign/Likely benign. Review status: criteria provided, multiple submitters, no conflicts (2 of 4 stars). 4 submissions from 4 submitters: Benign (1); Likely benign (3). Last evaluated 2026-09-28.

Conditions:
Neurofibromatosis, type 1 (NF1). Also called: Neurofibromatosis, type I; Peripheral type neurofibromatosis; VON RECKLINGHAUSEN DISEASE; NEUROFIBROMATOSIS, TYPE I, SOMATIC. Identifiers: Orphanet 636, MedGen C0027831, MONDO:0018975, OMIM 162200. Disease mechanism: loss of function.
Cardiovascular phenotype. Identifiers: MedGen CN230736.
Hereditary cancer-predisposing syndrome. Also called: Hereditary neoplastic syndrome; Neoplastic Syndromes, Hereditary; Tumor predisposition; Hereditary Cancer Syndrome. Identifiers: Orphanet 140162, MedGen C0027672, MeSH D009386, MONDO:0015356.

Allele frequency attached by ClinVar (database versions not stated): TOPMed below 0.00001; gnomAD 0.00001.
gnomAD v4.1: 2 of 1,613,978 alleles (0.00012%); highest among the groups gnomAD compares: African/African-American, 0.0027%; no homozygotes.

Submissions (4):

Myriad Genetics, Inc.
Classification: Benign for Neurofibromatosis, type 1. Last evaluated: 2026-09-28. Review status: criteria provided, single submitter. Criteria: Myriad Autosomal Dominant, Autosomal Recessive and X-Linked Classification Criteria (2023). Collection method: clinical testing. Allele origin: unknown.
Comment: This variant is considered benign. This variant is a silent/synonymous amino acid change and it is not expected to impact splicing.

Labcorp Genetics (formerly Invitae), Labcorp
Classification: Likely benign for Neurofibromatosis, type 1. Last evaluated: 2025-08-20. Review status: criteria provided, single submitter. Criteria: Invitae Variant Classification Sherloc (09022015). Collection method: clinical testing. Allele origin: germline.

Genome-Nilou Lab
Classification: Likely benign for Neurofibromatosis, type 1. Last evaluated: 2022-03-15. Review status: criteria provided, single submitter. Criteria: ACMG Guidelines, 2015. Collection method: clinical testing. Allele origin: germline. Affected: no.

Ambry Genetics
Classification: Likely benign for Cardiovascular phenotype; Hereditary cancer-predisposing syndrome. Last evaluated: 2018-03-29. Review status: criteria provided, single submitter. Criteria: Ambry Variant Classification Scheme 2023. Collection method: clinical testing. Allele origin: germline.

NM_001042492.3(NF1):c.294A>G (p.Pro98=)

Gene: NF1 (neurofibromin 1; plus strand). Cytogenetic location: 17q11.2.
Variant type: single nucleotide variant.
Coding change: c.294A>G on transcript NM_001042492.3 (MANE Select); coding-DNA position 294, A replaced by G.
Protein change: p.Pro98=; no amino-acid change (proline 98 retained).
Molecular consequence: synonymous variant.
Genome position (GRCh38, 1-based): chr17:31,163,191, A>G. VCF-style: chr17-31163191-A-G. GRCh37 (hg19) VCF-style: chr17-29490209-A-G.
Other names: c.294A>G, p.Pro98= (NM_000267.4, NM_001128147.3).
Identifiers: ClinVar variation 822342 (VCV000822342.12), dbSNP rs1445884708, ClinGen allele CA499200022.
Genomic context (GRCh38, chr17:31,163,191, plus strand): 5'-AAAATGTTTACAGGTAAAATTAAAGTTTAGAATAATGTGATTATTTCTATTTTAGCAACC[A>G]AAGGACACAATGAGATTAGATGAAACGATGCTGGTCAAACAGTTGCTGCCAGAAATCTGC-3'
Protein context (NP_001035957.1, residues 88-108): DTLEKCLAGQ[Pro98=]KDTMRLDETM